The following is an entry in ClinVar:

ClinVar aggregate classification (germline): Likely benign (0 of 4 stars; one submission).

Conditions:
TGIF1-related disorder. Also called: TGIF1-related condition.

Submission:

PreventionGenetics, part of Exact Sciences
Classification: Likely benign for TGIF1-related condition. Last evaluated: 2020-10-15. Review status: no assertion criteria provided. Collection method: clinical testing. Allele origin: germline.
Comment: This variant is classified as likely benign based on ACMG/AMP sequence variant interpretation guidelines (Richards et al. 2015 PMID: 25741868, with internal and published modifications).

NM_173207.4(TGIF1):c.58+1811GCGCC[4]

Gene: TGIF1 (TGFB induced factor homeobox 1; plus strand). Cytogenetic location: 18p11.31.
Variant type: Microsatellite.
Coding change: c.58+1811GCGCC[4] on transcript NM_173207.4; four copies in a row of the 5-base unit GCGCC starting at c.58+1811; the reference has three copies in a row; one copy, 5 bases duplicated.
Molecular consequence: intron variant. On other transcripts: 5 prime UTR variant (1).
Genome position (GRCh38, 1-based): chr18:3,449,618-3,449,622, GCGCC duplicated; duplicating any 5 consecutive bases within chr18:3,449,608-3,449,622 gives the same sequence; the position shown is the placement nearest the transcript's 3' end. VCF-style (leftmost placement, unchanged base first): chr18-3449607-T-TGCGCC. GRCh37 (hg19) VCF-style: chr18-3449605-T-TGCGCC.
Other names: c.-24GCGCC[4] (NM_001278682.2); c.-44-6746GCGCC[4] (NM_174886.3, NM_001278686.3); c.-45+1069GCGCC[4] (NM_001374396.1).
Identifiers: ClinVar variation 3032359 (VCV003032359.2), dbSNP rs1393606991, ClinGen allele CA778684554.